The following is an entry in ClinVar:

NM_000541.5(SAG):c.542T>C (p.Val181Ala)

Gene: SAG (S-antigen visual arrestin; plus strand). Cytogenetic location: 2q37.1.
Variant type: single nucleotide variant.
Coding change: c.542T>C on transcript NM_000541.5 (MANE Select); coding-DNA position 542, T replaced by C.
Protein change: p.Val181Ala; replaces valine 181 with alanine.
Molecular consequence: missense variant.
Genome position (GRCh38, 1-based): chr2:233,328,507, T>C. VCF-style: chr2-233328507-T-C. GRCh37 (hg19) VCF-style: chr2-234237153-T-C.
Other names: short protein forms V181A.
Identifiers: ClinVar variation 3718170 (VCV003718170.2).

ClinVar aggregate classification (germline): Uncertain significance (1 of 4 stars; one submission).

gnomAD v4.1: 6 of 1,613,910 alleles (0.00037%); highest among the groups gnomAD compares: Middle Eastern, 0.017%; no homozygotes.

Submission:

Labcorp Genetics (formerly Invitae), Labcorp
Classification: Uncertain significance. Last evaluated: 2024-03-25. Review status: criteria provided, single submitter. Criteria: Invitae Variant Classification Sherloc (09022015). Collection method: clinical testing. Allele origin: germline.
Comment: This sequence change replaces valine, which is neutral and non-polar, with alanine, which is neutral and non-polar, at codon 181 of the SAG protein (p.Val181Ala). This variant is present in population databases (rs767939674, gnomAD 0.01%). This variant has not been reported in the literature in individuals affected with SAG-related conditions. Advanced modeling of protein sequence and biophysical properties (such as structural, functional, and spatial information, amino acid conservation, physicochemical variation, residue mobility, and thermodynamic stability) has been performed at Invitae for this missense variant, however the output from this modeling did not meet the statistical confidence thresholds required to predict the impact of this variant on SAG protein function. In summary, the available evidence is currently insufficient to determine the role of this variant in disease. Therefore, it has been classified as a Variant of Uncertain Significance.